The following is an entry in ClinVar:

NM_000059.4(BRCA2):c.5C>T (p.Pro2Leu)

Gene: BRCA2 (BRCA2 DNA repair associated; plus strand). Cytogenetic location: 13q13.1.
Variant type: single nucleotide variant.
Coding change: c.5C>T on transcript NM_000059.4 (MANE Select); coding-DNA position 5, C replaced by T.
Protein change: p.Pro2Leu; replaces proline 2 with leucine.
Molecular consequence: missense variant.
Genome position (GRCh38, 1-based): chr13:32,316,465, C>T. VCF-style: chr13-32316465-C-T. GRCh37 (hg19) VCF-style: chr13-32890602-C-T.
Other names: short protein forms P2L.
Identifiers: ClinVar variation 51984 (VCV000051984.16), dbSNP rs80358836, ClinGen allele CA023494.

ClinVar aggregate classification (germline): Conflicting classifications of pathogenicity. Review status: criteria provided, conflicting classifications (1 of 4 stars). 5 submissions from 5 submitters: Uncertain significance (3); Likely benign (1). 1 of the submissions does not count toward it. Last evaluated 2025-05-07.

Conditions:
Hereditary cancer-predisposing syndrome. Also called: Neoplastic Syndromes, Hereditary; Tumor predisposition; Hereditary neoplastic syndrome; Hereditary Cancer Syndrome. Identifiers: Orphanet 140162, MedGen C0027672, MeSH D009386, MONDO:0015356.
Hereditary breast ovarian cancer syndrome. Also called: Hereditary breast and ovarian cancer syndrome; Hereditary breast and ovarian cancer; Hereditary breast and ovarian cancer syndrome (HBOC); Breast and ovarian cancer; Hereditary breast and/or ovarian cancer syndrome; BRCA1- and BRCA2-Associated Hereditary Breast and Ovarian Cancer. Identifiers: Orphanet 145, MedGen C0677776, MeSH D061325, MONDO:0003582. Disease mechanism: loss of function.
Breast-ovarian cancer, familial, susceptibility to, 2 (BROVCA2). Also called: BRCA2 Hereditary Breast and Ovarian Cancer. Identifiers: Orphanet 145, MedGen C2675520, MONDO:0012933, OMIM 612555. Disease mechanism: loss of function.

Submissions (5):

Labcorp Genetics (formerly Invitae), Labcorp
Classification: Uncertain significance for Hereditary breast ovarian cancer syndrome. Last evaluated: 2025-05-07. Review status: criteria provided, single submitter. Criteria: Invitae Variant Classification Sherloc (09022015). Collection method: clinical testing. Allele origin: germline.
Comment: This sequence change replaces proline, which is neutral and non-polar, with leucine, which is neutral and non-polar, at codon 2 of the BRCA2 protein (p.Pro2Leu). This variant is not present in population databases (gnomAD no frequency). This missense change has been observed in individual(s) with BRCA2-related conditions (PMID: 10923033). ClinVar contains an entry for this variant (Variation ID: 51984). Invitae Evidence Modeling of protein sequence and biophysical properties (such as structural, functional, and spatial information, amino acid conservation, physicochemical variation, residue mobility, and thermodynamic stability) indicates that this missense variant is not expected to disrupt BRCA2 protein function with a negative predictive value of 95%. In summary, the available evidence is currently insufficient to determine the role of this variant in disease. Therefore, it has been classified as a Variant of Uncertain Significance.

Ambry Genetics
Classification: Likely benign for Hereditary cancer-predisposing syndrome. Last evaluated: 2024-10-19. Review status: criteria provided, single submitter. Criteria: Ambry Variant Classification Scheme 2023. Collection method: clinical testing. Allele origin: germline.

Quest Diagnostics Nichols Institute San Juan Capistrano
Classification: Uncertain significance. Last evaluated: 2023-11-20. Review status: criteria provided, single submitter. Criteria: Quest Diagnostics criteria. Collection method: clinical testing. Allele origin: unknown.
Comment: The BRCA2 c.5C>T (p.Pro2Leu) variant has been reported in the published literature in an individual with a personal and/or family history of breast cancer (PMID: 35864222 (2022)). This variant has not been reported in large, multi-ethnic general populations (Genome Aggregation Database). Analysis of this variant using bioinformatics tools for the prediction of the effect of amino acid changes on protein structure and function yielded predictions that this variant is benign. Based on the available information, we are unable to determine the clinical significance of this variant.

Color Diagnostics, LLC DBA Color Health
Classification: Uncertain significance for Hereditary cancer-predisposing syndrome. Last evaluated: 2023-06-27. Review status: criteria provided, single submitter. Criteria: ACMG Guidelines, 2015. Collection method: clinical testing. Allele origin: germline.
Comment: This missense variant replaces proline with leucine at codon 2 of the BRCA2 protein. Computational prediction suggests that this variant may not impact protein structure and function (internally defined REVEL score threshold <= 0.5, PMID: 27666373). To our knowledge, functional studies have not been reported for this variant. This variant has been reported in two individuals affected with breast cancer (PMID: 35264596, 35864222). This variant has been reported in a multifactorial analysis with co-occurrence and family history likelihood ratios for pathogenicity of 1.025 and 0.653, respectively (PMID: 31131967). This variant has not been identified in the general population by the Genome Aggregation Database (gnomAD). The available evidence is insufficient to determine the role of this variant in disease conclusively. Therefore, this variant is classified as a Variant of Uncertain Significance.

Breast Cancer Information Core (BIC) (BRCA2)
Classification: Uncertain significance for Breast-ovarian cancer, familial 2. Last evaluated: 2001-02-16. Review status: no assertion criteria provided. Collection method: clinical testing. Allele origin: germline. Affected: yes. Observed: 1 variant allele. Not counted in ClinVar's aggregate classification.

Literature cited by the submitters: PubMed 10923033 (cited by Labcorp Genetics (formerly Invitae), Labcorp); PubMed 35864222 (cited by Quest Diagnostics Nichols Institute San Juan Capistrano and Color Diagnostics, LLC DBA Color Health); PubMed 31131967 (cited by Color Diagnostics, LLC DBA Color Health); PubMed 35264596 (cited by Color Diagnostics, LLC DBA Color Health).